The following is an entry in ClinVar:

ClinVar aggregate classification (germline): Benign/Likely benign. Review status: criteria provided, multiple submitters, no conflicts (2 of 4 stars). 4 submissions from 4 submitters: Benign (3); Likely benign (1). Last evaluated 2026-02-02.

Conditions:
T-cell immunodeficiency, congenital alopecia, and nail dystrophy. Also called: Congenital alopecia and nail dystrophy associated with severe functional T-cell immunodeficiency; Pignata Guarino syndrome. Identifiers: Orphanet 169095, MedGen C1866426, MONDO:0011132, OMIM 601705.

Allele frequency attached by ClinVar (database versions not stated): ExAC 0.00163; 1000 Genomes Project 0.00439; 1000 Genomes Project 30x 0.00453; gnomAD 0.00533 and 0.00572; TOPMed 0.00599; ESP Exome Variant Server 0.00638; gnomAD exomes 0.00047 and 0.00133.
gnomAD v4.1: 1,533 of 1,613,632 alleles (0.095%); highest among the groups gnomAD compares: African/African-American, 1.8%; 19 homozygotes.

Submissions (4):

Labcorp Genetics (formerly Invitae), Labcorp
Classification: Benign for T-cell immunodeficiency, congenital alopecia, and nail dystrophy. Last evaluated: 2026-02-02. Review status: criteria provided, single submitter. Criteria: Invitae Variant Classification Sherloc (09022015). Collection method: clinical testing. Allele origin: germline.

Women's Health and Genetics/Laboratory Corporation of America, LabCorp
Classification: Benign. Last evaluated: 2022-05-03. Review status: criteria provided, single submitter. Criteria: LabCorp Variant Classification Summary - May 2015. Collection method: clinical testing. Allele origin: germline.

Illumina Laboratory Services, Illumina
Classification: Benign for T-cell immunodeficiency, congenital alopecia, and nail dystrophy. Last evaluated: 2018-01-13. Review status: criteria provided, single submitter. Criteria: ICSL Variant Classification Criteria 13 December 2019. Collection method: clinical testing. Allele origin: germline.
Comment: This variant was observed in the ICSL laboratory as part of a predisposition screen in an ostensibly healthy population. It had not been previously curated by ICSL or reported in the Human Gene Mutation Database (HGMD: prior to June 1st, 2018), and was therefore a candidate for classification through an automated scoring system. Utilizing variant allele frequency, disease prevalence and penetrance estimates, and inheritance mode, an automated score was calculated to assess if this variant is too frequent to cause the disease. Based on the score and internal cut-off values, a variant classified as benign is not then subjected to further curation. The score for this variant resulted in a classification of benign for this disease.

GeneDx
Classification: Likely benign. Last evaluated: 2016-10-14. Review status: criteria provided, single submitter. Criteria: GeneDx Variant Classification (06012015). Collection method: clinical testing. Allele origin: germline. Affected: yes.
Comment: This variant is considered likely benign or benign based on one or more of the following criteria: it is a conservative change, it occurs at a poorly conserved position in the protein, it is predicted to be benign by multiple in silico algorithms, and/or has population frequency not consistent with disease.

NM_001369369.1(FOXN1):c.1215C>T (p.Ser405=)

Gene: FOXN1 (forkhead box N1; plus strand). Cytogenetic location: 17q11.2.
Variant type: single nucleotide variant.
Coding change: c.1215C>T on transcript NM_001369369.1 (MANE Select); coding-DNA position 1215, C replaced by T.
Protein change: p.Ser405=; no amino-acid change (serine 405 retained).
Molecular consequence: synonymous variant.
Genome position (GRCh38, 1-based): chr17:28,534,786, C>T. VCF-style: chr17-28534786-C-T. GRCh37 (hg19) VCF-style: chr17-26861804-C-T.
Other names: c.1215C>T, p.Ser405= (NM_003593.3).
Identifiers: ClinVar variation 390081 (VCV000390081.15), dbSNP rs116778145, ClinGen allele CA8459475.